The following is an entry in ClinVar:

NM_032492.4(JAGN1):c.392G>A (p.Arg131His)

Gene: JAGN1 (jagunal vesicle mediated transporter 1; plus strand). Cytogenetic location: 3p25.3.
Variant type: single nucleotide variant.
Coding change: c.392G>A on transcript NM_032492.4 (MANE Select); coding-DNA position 392, G replaced by A.
Protein change: p.Arg131His; replaces arginine 131 with histidine.
Molecular consequence: missense variant.
Genome position (GRCh38, 1-based): chr3:9,893,217, G>A. VCF-style: chr3-9893217-G-A. GRCh37 (hg19) VCF-style: chr3-9934901-G-A.
Other names: c.230G>A, p.Arg77His (NM_001363890.1); short protein forms R77H, R131H.
Identifiers: ClinVar variation 847039 (VCV000847039.8), dbSNP rs542419840, ClinGen allele CA2245886.

ClinVar aggregate classification (germline): Uncertain significance. Review status: criteria provided, multiple submitters, no conflicts (2 of 4 stars). 2 submissions from 2 submitters: Uncertain significance (2). Last evaluated 2024-03-16.

Conditions:
Inborn genetic diseases. Identifiers: MedGen C0950123, MeSH D030342.
Autosomal recessive severe congenital neutropenia due to JAGN1 deficiency. Also called: Severe congenital neutropenia 6, autosomal recessive. Identifiers: Orphanet 423384, MedGen C4014954, MONDO:0014456, OMIM 616022.

Allele frequency attached by ClinVar (database versions not stated): gnomAD below 0.00001 and 0.00001; TOPMed below 0.00001; gnomAD exomes 0.00004 and 0.00008; ExAC 0.00007; 1000 Genomes Project 30x 0.00016; 1000 Genomes Project 0.00020.

Submissions (2):

Ambry Genetics
Classification: Uncertain significance for Inborn genetic diseases. Last evaluated: 2024-03-16. Review status: criteria provided, single submitter. Criteria: Ambry Variant Classification Scheme 2023. Collection method: clinical testing. Allele origin: germline.

Labcorp Genetics (formerly Invitae), Labcorp
Classification: Uncertain significance for Autosomal recessive severe congenital neutropenia due to JAGN1 deficiency. Last evaluated: 2023-02-10. Review status: criteria provided, single submitter. Criteria: Invitae Variant Classification Sherloc (09022015). Collection method: clinical testing. Allele origin: germline.
Comment: Algorithms developed to predict the effect of missense changes on protein structure and function are either unavailable or do not agree on the potential impact of this missense change (SIFT: "Tolerated"; PolyPhen-2: "Possibly Damaging"; Align-GVGD: "Class C0"). In summary, the available evidence is currently insufficient to determine the role of this variant in disease. Therefore, it has been classified as a Variant of Uncertain Significance. ClinVar contains an entry for this variant (Variation ID: 847039). This sequence change replaces arginine, which is basic and polar, with histidine, which is basic and polar, at codon 131 of the JAGN1 protein (p.Arg131His). This variant is present in population databases (rs542419840, gnomAD 0.06%). This variant has not been reported in the literature in individuals affected with JAGN1-related conditions.